The following is an entry in ClinVar:

ClinVar aggregate classification (germline): Uncertain significance. Review status: criteria provided, single submitter (1 of 4 stars). 2 submissions from 2 submitters: Uncertain significance (1). 1 of the submissions does not count toward it. Last evaluated 2022-08-22.

Conditions:
Retinitis pigmentosa 25 (RP25). Identifiers: Orphanet 791, MedGen C1864446, MONDO:0011272, OMIM 602772.

Allele frequency attached by ClinVar (database versions not stated): gnomAD exomes 0.00001; gnomAD 0.00002; TOPMed 0.00002.
gnomAD v4.1: 12 of 1,500,882 alleles (0.0008%); highest among the groups gnomAD compares: African/African-American, 0.0014%; no homozygotes.

Submissions (2):

Labcorp Genetics (formerly Invitae), Labcorp
Classification: Uncertain significance. Last evaluated: 2022-08-22. Review status: criteria provided, single submitter. Criteria: Invitae Variant Classification Sherloc (09022015). Collection method: clinical testing. Allele origin: germline.
Comment: This sequence change falls in intron 23 of the EYS gene. It does not directly change the encoded amino acid sequence of the EYS protein. This variant is present in population databases (no rsID available, gnomAD 0.007%). This variant has not been reported in the literature in individuals affected with EYS-related conditions. ClinVar contains an entry for this variant (Variation ID: 1040393). Algorithms developed to predict the effect of sequence changes on RNA splicing suggest that this variant may disrupt the consensus splice site. In summary, the available evidence is currently insufficient to determine the role of this variant in disease. Therefore, it has been classified as a Variant of Uncertain Significance.

Natera, Inc.
Classification: Uncertain significance for Retinitis pigmentosa type 25. Last evaluated: 2020-07-23. Review status: no assertion criteria provided. Collection method: clinical testing. Allele origin: germline. Not counted in ClinVar's aggregate classification.

NM_001142800.2(EYS):c.3569-7T>G

Gene: EYS (eyes shut homolog; minus strand). Cytogenetic location: 6q12.
Variant type: single nucleotide variant.
Coding change: c.3569-7T>G on transcript NM_001142800.2 (MANE Select); 7 bases into the intron before coding-DNA position 3569, T replaced by G.
Molecular consequence: intron variant.
Genome position (GRCh38, 1-based): chr6:64,617,540, A>C on the plus strand (T>G on the coding strand, the complement: EYS is on the minus strand). VCF-style: chr6-64617540-A-C. GRCh37 (hg19) VCF-style: chr6-65327433-A-C.
Other names: c.3569-7T>G (NM_001292009.2).
Identifiers: ClinVar variation 1040393 (VCV001040393.3), dbSNP rs1036723042, ClinGen allele CA140344029.